The following is an entry in ClinVar:

NM_000059.4(BRCA2):c.8007A>T (p.Arg2669Ser)

Gene: BRCA2 (BRCA2 DNA repair associated; plus strand). Cytogenetic location: 13q13.1.
Variant type: single nucleotide variant.
Coding change: c.8007A>T on transcript NM_000059.4 (MANE Select); coding-DNA position 8007, A replaced by T.
Protein change: p.Arg2669Ser; replaces arginine 2669 with serine.
Molecular consequence: missense variant.
Genome position (GRCh38, 1-based): chr13:32,363,209, A>T. VCF-style: chr13-32363209-A-T. GRCh37 (hg19) VCF-style: chr13-32937346-A-T.
Other names: short protein forms R2669S.
Identifiers: ClinVar variation 183981 (VCV000183981.21), dbSNP rs143999963, ClinGen allele CA025398.

ClinVar aggregate classification (germline): Conflicting classifications of pathogenicity. Review status: criteria provided, conflicting classifications (1 of 4 stars). 6 submissions from 6 submitters: Uncertain significance (5); Likely benign (1). Last evaluated 2024-03-18.

Conditions:
Familial cancer of breast. Also called: hereditary breast carcinoma; BREAST CANCER, FAMILIAL; Hereditary breast cancer. Identifiers: Orphanet 227535, MedGen C0346153, MONDO:0016419, OMIM 114480. Disease mechanism: loss of function.
Breast-ovarian cancer, familial, susceptibility to, 2 (BROVCA2). Also called: BRCA2 Hereditary Breast and Ovarian Cancer. Identifiers: Orphanet 145, MedGen C2675520, MONDO:0012933, OMIM 612555. Disease mechanism: loss of function.
Fanconi anemia complementation group D1. Also called: BRCA2-Related Fanconi Anemia. Identifiers: Orphanet 319462, MedGen C1838457, MONDO:0011584, OMIM 605724.
Medulloblastoma (MDB). Also called: Medulloblastoma, somatic; MEDULLOBLASTOMA PREDISPOSITION SYNDROME. Identifiers: Orphanet 616, MedGen C0025149, MeSH D008527, MONDO:0007959, OMIM 155255, HP:0002885.
Prostate cancer. Also called: Malignant tumor of prostate. Identifiers: Orphanet 1331, MedGen C0376358, MONDO:0008315, HP:0012125.
Wilms tumor 1 (WT1). Also called: Wilms tumor, somatic. Identifiers: Orphanet 654, MedGen CN033288, MONDO:0008679, OMIM 194070.
Pancreatic cancer, susceptibility to, 2. Identifiers: Orphanet 1333, MedGen C3150546, MONDO:0013235, OMIM 613347.
Glioma susceptibility 3 (GLM3). Also called: Glioblastoma 3. Identifiers: Orphanet 182067, Orphanet 360, MedGen C2751641, MONDO:0013093, OMIM 613029.
Hereditary cancer-predisposing syndrome. Also called: Neoplastic Syndromes, Hereditary; Hereditary neoplastic syndrome; Hereditary Cancer Syndrome; Tumor predisposition. Identifiers: Orphanet 140162, MedGen C0027672, MeSH D009386, MONDO:0015356.
Hereditary breast ovarian cancer syndrome. Also called: BRCA1- and BRCA2-Associated Hereditary Breast and Ovarian Cancer; Hereditary breast and ovarian cancer syndrome; Hereditary breast and ovarian cancer syndrome (HBOC); Hereditary breast and ovarian cancer; Breast and ovarian cancer; Hereditary breast and/or ovarian cancer syndrome. Identifiers: Orphanet 145, MedGen C0677776, MeSH D061325, MONDO:0003582. Disease mechanism: loss of function.

Submissions (6):

Baylor Genetics
Classification: Uncertain significance for Familial cancer of breast. Last evaluated: 2024-03-18. Review status: criteria provided, single submitter. Criteria: ACMG Guidelines, 2015. Collection method: clinical testing. Allele origin: unknown.

Labcorp Genetics (formerly Invitae), Labcorp
Classification: Uncertain significance for Hereditary breast ovarian cancer syndrome. Last evaluated: 2023-12-06. Review status: criteria provided, single submitter. Criteria: Invitae Variant Classification Sherloc (09022015). Collection method: clinical testing. Allele origin: germline.
Comment: This sequence change replaces arginine, which is basic and polar, with serine, which is neutral and polar, at codon 2669 of the BRCA2 protein (p.Arg2669Ser). This variant is not present in population databases (gnomAD no frequency). This variant has not been reported in the literature in individuals affected with BRCA2-related conditions. ClinVar contains an entry for this variant (Variation ID: 183981). Advanced modeling performed at Invitae incorporating data from internal and/or published experimental studies (PMID: 33609447) indicates that this missense variant is not expected to disrupt BRCA2 function with a negative predictive value of 95%. In summary, the available evidence is currently insufficient to determine the role of this variant in disease. Therefore, it has been classified as a Variant of Uncertain Significance.

Color Diagnostics, LLC DBA Color Health
Classification: Uncertain significance for Hereditary cancer-predisposing syndrome. Last evaluated: 2023-02-06. Review status: criteria provided, single submitter. Criteria: ACMG Guidelines, 2015. Collection method: clinical testing. Allele origin: germline.
Comment: This missense variant replaces arginine with serine at codon 2669 of the BRCA2 protein. Computational prediction suggests that this variant may have deleterious impact on protein structure and function (internally defined REVEL score threshold >= 0.7, PMID: 27666373). To our knowledge, functional studies have not been reported for this variant. This variant has not been reported in individuals affected with BRCA2-related disorders in the literature. This variant has not been identified in the general population by the Genome Aggregation Database (gnomAD). The available evidence is insufficient to determine the role of this variant in disease conclusively. Therefore, this variant is classified as a Variant of Uncertain Significance.

GeneDx
Classification: Uncertain significance. Last evaluated: 2021-03-29. Review status: criteria provided, single submitter. Criteria: GeneDx Variant Classification Process June 2021. Collection method: clinical testing. Allele origin: germline. Affected: yes.
Comment: Not observed in large population cohorts (Lek et al., 2016); In silico analysis supports that this missense variant does not alter protein structure/function; Has not been previously published as pathogenic or benign to our knowledge; Also known as 8235A>T

Ambry Genetics
Classification: Likely benign for Hereditary cancer-predisposing syndrome. Last evaluated: 2020-02-25. Review status: criteria provided, single submitter. Criteria: Ambry Variant Classification Scheme 2023. Collection method: clinical testing. Allele origin: germline.

Fulgent Genetics
Classification: Uncertain significance for Familial cancer of breast; Medulloblastoma; Familial prostate cancer; Wilms tumor 1; Fanconi anemia complementation group D1; Breast-ovarian cancer, familial, susceptibility to, 2; Glioma susceptibility 3; Pancreatic cancer, susceptibility to, 2. Last evaluated: 2018-10-31. Review status: criteria provided, single submitter. Criteria: ACMG Guidelines, 2015. Collection method: clinical testing. Allele origin: unknown.

Literature cited by the submitters: PubMed 33609447 (cited by Labcorp Genetics (formerly Invitae), Labcorp).